The following is an entry in ClinVar:

NM_005612.5(REST):c.2147T>C (p.Val716Ala)

Gene: REST (RE1 silencing transcription factor; plus strand). Cytogenetic location: 4q12.
Variant type: single nucleotide variant.
Coding change: c.2147T>C on transcript NM_005612.5 (MANE Select); coding-DNA position 2147, T replaced by C.
Protein change: p.Val716Ala; replaces valine 716 with alanine.
Molecular consequence: missense variant.
Genome position (GRCh38, 1-based): chr4:56,931,005, T>C. VCF-style: chr4-56931005-T-C. GRCh37 (hg19) VCF-style: chr4-57797171-T-C.
Other names: c.2147T>C, p.Val716Ala (NM_001193508.2, NM_001363453.3); short protein forms V716A.
Identifiers: ClinVar variation 2172077 (VCV002172077.4), dbSNP rs1024260073, ClinGen allele CA97636865.

ClinVar aggregate classification (germline): Uncertain significance (1 of 4 stars; one submission).

Allele frequency attached by ClinVar (database versions not stated): gnomAD exomes below 0.00001.
gnomAD v4.1: 8 of 1,614,186 alleles (0.0005%); no homozygotes.

Submission:

Labcorp Genetics (formerly Invitae), Labcorp
Classification: Uncertain significance. Last evaluated: 2022-03-13. Review status: criteria provided, single submitter. Criteria: Invitae Variant Classification Sherloc (09022015). Collection method: clinical testing. Allele origin: germline.
Comment: Algorithms developed to predict the effect of missense changes on protein structure and function (SIFT, PolyPhen-2, Align-GVGD) all suggest that this variant is likely to be tolerated. In summary, the available evidence is currently insufficient to determine the role of this variant in disease. Therefore, it has been classified as a Variant of Uncertain Significance. This variant has not been reported in the literature in individuals affected with REST-related conditions. This variant is present in population databases (no rsID available, gnomAD 0.01%). This sequence change replaces valine, which is neutral and non-polar, with alanine, which is neutral and non-polar, at codon 716 of the REST protein (p.Val716Ala).